The following is an entry in ClinVar:

NM_004168.4(SDHA):c.1734dup (p.Ile579fs)

Gene: SDHA (succinate dehydrogenase complex flavoprotein subunit A; plus strand). Cytogenetic location: 5p15.33.
Variant type: Duplication.
Coding change: c.1734dup on transcript NM_004168.4 (MANE Select); coding-DNA position 1734, one base duplicated (C; older notation c.1734dupC).
Protein change: p.Ile579fs; shifts the reading frame from isoleucine 579.
Molecular consequence: frameshift variant. On other transcripts: intron variant (1).
Genome position (GRCh38, 1-based): chr5:251,408, C duplicated; the last of 2 consecutive C bases (chr5:251,407-251,408); duplicating either gives the same sequence. VCF-style (leftmost placement, unchanged base first): chr5-251406-A-AC. GRCh37 (hg19) VCF-style: chr5-251521-A-AC.
Other names: c.1590dup, p.Ile531fs (NM_001294332.2); c.1552-2985dup (NM_001330758.2); short protein forms I579fs, I531fs.
Identifiers: ClinVar variation 4786996 (VCV004786996.1).

ClinVar aggregate classification (germline): Pathogenic (1 of 4 stars; one submission).

Conditions:
Mitochondrial complex II deficiency, nuclear type 1. Also called: SUCCINATE CoQ REDUCTASE DEFICIENCY. Identifiers: Orphanet 3208, MedGen C5700310, MONDO:0100294, OMIM 252011.
Pheochromocytoma/paraganglioma syndrome 5. Also called: Paragangliomas 5; SDHA-Related Hereditary Paraganglioma-Pheochromocytoma Syndrome. Identifiers: Orphanet 29072, MedGen C3279992, MONDO:0013602, OMIM 614165.

Submission:

Labcorp Genetics (formerly Invitae), Labcorp
Classification: Pathogenic for Pheochromocytoma/paraganglioma syndrome 5; Mitochondrial complex II deficiency, nuclear type 1. Last evaluated: 2025-12-14. Review status: criteria provided, single submitter. Criteria: Invitae Variant Classification Sherloc (09022015). Collection method: clinical testing. Allele origin: germline.
Comment: This sequence change creates a premature translational stop signal (p.Ile579Hisfs*24) in the SDHA gene. It is expected to result in an absent or disrupted protein product. Loss-of-function variants in SDHA are known to be pathogenic (PMID: 22974104, 24781757). This variant is not present in population databases (gnomAD no frequency). This variant has not been reported in the literature in individuals affected with SDHA-related conditions. For these reasons, this variant has been classified as Pathogenic.

Literature cited by the submitters: PubMed 22974104; PubMed 24781757.